The following is an entry in ClinVar:

ClinVar aggregate classification (germline): Pathogenic/Likely pathogenic. Review status: criteria provided, multiple submitters, no conflicts (2 of 4 stars). 3 submissions from 3 submitters: Pathogenic (1); Likely pathogenic (2). Last evaluated 2025-11-27.

Conditions:
Hyperkalemic periodic paralysis. Also called: Familial hyperkalemic periodic paralysis; Gamstorp disease. Identifiers: Orphanet 682, MedGen C0238357, MONDO:0008224, OMIM 170500, HP:0007215.

Allele frequency attached by ClinVar (database versions not stated): gnomAD exomes below 0.00001; TOPMed 0.00001.
gnomAD v4.1: 2 of 1,612,082 alleles (0.00012%); highest among the groups gnomAD compares: Non-Finnish European, 0.00017%; no homozygotes.

Submissions (3):

Labcorp Genetics (formerly Invitae), Labcorp
Classification: Pathogenic for Hyperkalemic periodic paralysis. Last evaluated: 2025-11-27. Review status: criteria provided, single submitter. Criteria: Invitae Variant Classification Sherloc (09022015). Collection method: clinical testing. Allele origin: germline.
Comment: This sequence change replaces valine, which is neutral and non-polar, with phenylalanine, which is neutral and non-polar, at codon 1458 of the SCN4A protein (p.Val1458Phe). This variant is present in population databases (no rsID available, gnomAD 0.0009%). This missense change has been observed in individuals with paramyotonia congenita (PMID: 8542048, 18337730, 29606556). It has also been observed to segregate with disease in related individuals. ClinVar contains an entry for this variant (Variation ID: 586519). Invitae Evidence Modeling of protein sequence and biophysical properties (such as structural, functional, and spatial information, amino acid conservation, physicochemical variation, residue mobility, and thermodynamic stability) has been performed for this missense variant. However, the output from this modeling did not meet the statistical confidence thresholds required to predict the impact of this variant on SCN4A protein function. This variant disrupts the p.Val1458 amino acid residue in SCN4A. Other variant(s) that disrupt this residue have been observed in individuals with SCN4A-related conditions (PMID: 26036855), which suggests that this may be a clinically significant amino acid residue. For these reasons, this variant has been classified as Pathogenic.

GeneDx
Classification: Likely pathogenic. Last evaluated: 2025-05-08. Review status: criteria provided, single submitter. Criteria: GeneDx Variant Classification Process June 2021. Collection method: clinical testing. Allele origin: germline. Affected: yes.
Comment: Not observed at significant frequency in large population cohorts (gnomAD); In silico analysis supports that this missense variant has a deleterious effect on protein structure/function; This variant is associated with the following publications: (PMID: 25454733, 18337730, 9300659, 8542048, 25707578, 32670189, 29606556, 26036855)

Athena Diagnostics
Classification: Likely pathogenic. Last evaluated: 2021-08-25. Review status: criteria provided, single submitter. Criteria: Athena Diagnostics Criteria. Collection method: clinical testing. Allele origin: unknown.
Comment: The frequency of this variant in the general population is consistent with pathogenicity. This variant has been identified in multiple unrelated individuals with clinical features associated with this gene. Computational tools predict that this variant is damaging. The variant is located in a region that is considered important for protein function and/or structure.

Literature cited by the submitters: PubMed 8542048 (cited by Labcorp Genetics (formerly Invitae), Labcorp); PubMed 18337730 (cited by Labcorp Genetics (formerly Invitae), Labcorp and Athena Diagnostics); PubMed 29606556 (cited by Labcorp Genetics (formerly Invitae), Labcorp and Athena Diagnostics); PubMed 26036855 (cited by Labcorp Genetics (formerly Invitae), Labcorp); PubMed 25454733 (cited by Athena Diagnostics); PubMed 32670189 (cited by Athena Diagnostics).

NM_000334.4(SCN4A):c.4372G>T (p.Val1458Phe)

Genes: GH-LCR (growth hormone locus control region; plus strand), SCN4A (sodium voltage-gated channel alpha subunit 4; minus strand). Cytogenetic location: 17q23.3.
Variant type: single nucleotide variant.
Coding change: c.4372G>T on transcript NM_000334.4 (MANE Select); coding-DNA position 4372, G replaced by T.
Protein change: p.Val1458Phe; replaces valine 1458 with phenylalanine.
Molecular consequence: missense variant.
Genome position (GRCh38, 1-based): chr17:63,941,910, C>A on the plus strand (G>T on the coding strand, the complement: SCN4A is on the minus strand). VCF-style: chr17-63941910-C-A. GRCh37 (hg19) VCF-style: chr17-62019270-C-A.
Other names: short protein forms V1458F.
Identifiers: ClinVar variation 586519 (VCV000586519.20), dbSNP rs1199222144, ClinGen allele CA400616143.